The following is an entry in ClinVar:

NM_177438.3(DICER1):c.4510A>T (p.Ser1504Cys)

Gene: DICER1 (dicer 1, ribonuclease III; minus strand). Cytogenetic location: 14q32.13.
Variant type: single nucleotide variant.
Coding change: c.4510A>T on transcript NM_177438.3 (MANE Select); coding-DNA position 4510, A replaced by T.
Protein change: p.Ser1504Cys; replaces serine 1504 with cysteine.
Molecular consequence: missense variant. On other transcripts: non-coding transcript variant (6).
Genome position (GRCh38, 1-based): chr14:95,096,410, T>A on the plus strand (A>T on the coding strand, the complement: DICER1 is on the minus strand). VCF-style: chr14-95096410-T-A. GRCh37 (hg19) VCF-style: chr14-95562747-T-A.
Other names: c.4510A>T, p.Ser1504Cys (NM_001195573.1, NM_001271282.3, NM_001291628.2 and 12 more transcripts); c.4228A>T, p.Ser1410Cys (NM_001395686.1); c.4105A>T, p.Ser1369Cys (NM_001395687.1, NM_001395688.1, NM_001395689.1 and 2 more transcripts); c.3943A>T, p.Ser1315Cys (NM_001395691.1); c.2827A>T, p.Ser943Cys (NM_001395697.1); short protein forms S1504C, S943C, S1315C, S1369C, S1410C.
Identifiers: ClinVar variation 5035312 (VCV005035312.1).

ClinVar aggregate classification (germline): Uncertain significance (1 of 4 stars; one submission).

Conditions:
Hereditary cancer-predisposing syndrome. Also called: Hereditary Cancer Syndrome; Neoplastic Syndromes, Hereditary; Tumor predisposition; Hereditary neoplastic syndrome. Identifiers: Orphanet 140162, MedGen C0027672, MeSH D009386, MONDO:0015356.

gnomAD v4.1: 1 of 1,614,240 alleles (0.000062%); highest among the groups gnomAD compares: Non-Finnish European, 0.000085%; no homozygotes.

Submission:

Ambry Genetics
Classification: Uncertain significance for Hereditary cancer-predisposing syndrome. Last evaluated: 2026-08-11. Review status: criteria provided, single submitter. Criteria: Ambry Variant Classification Scheme 2023. Collection method: clinical testing. Allele origin: germline.
Comment: The p.S1504C variant (also known as c.4510A>T), located in coding exon 22 of the DICER1 gene, results from an A to T substitution at nucleotide position 4510. The serine at codon 1504 is replaced by cysteine, an amino acid with dissimilar properties. This amino acid position is conserved. In addition, this alteration is predicted to be deleterious by in silico analysis. Based on the available evidence, the clinical significance of this variant remains unclear.